The following is an entry in ClinVar:

ClinVar aggregate classification (germline): Uncertain significance (1 of 4 stars; one submission).

Submission:

Women's Health and Genetics/Laboratory Corporation of America, LabCorp
Classification: Uncertain significance. Last evaluated: 2025-07-22. Review status: criteria provided, single submitter. Criteria: LabCorp Variant Classification Summary - May 2015. Collection method: clinical testing. Allele origin: germline.
Comment: Variant summary: GJB2 c.609C>G (p.Ile203Met) results in a conservative amino acid change in the encoded protein sequence. Algorithms developed to predict the effect of missense changes on protein structure and function are either unavailable or do not agree on the potential impact of this missense change. The variant was absent in 251208 control chromosomes. The available data on variant occurrences in the general population are insufficient to allow any conclusion about variant significance. c.609C>G has been observed in the presumed compound heterozygous state in at least 1 individual(s) affected with Autosomal Recessive Non-Syndromic Hearing Loss (example, Lee_2023). These data do not allow any conclusion about variant significance. To our knowledge, no experimental evidence demonstrating an impact on protein function has been reported. The following publications have been ascertained in the context of this evaluation (PMID: 36048236, 37107638). No submitters have cited clinical-significance assessments for this variant to ClinVar. Based on the evidence outlined above, the variant was classified as uncertain significance.

Literature cited by the submitters: PubMed 36048236; PubMed 37107638.

NM_004004.6(GJB2):c.609C>G (p.Ile203Met)

Gene: GJB2 (gap junction protein beta 2; minus strand). Cytogenetic location: 13q12.11.
Variant type: single nucleotide variant.
Coding change: c.609C>G on transcript NM_004004.6 (MANE Select); coding-DNA position 609, C replaced by G.
Protein change: p.Ile203Met; replaces isoleucine 203 with methionine.
Molecular consequence: missense variant.
Genome position (GRCh38, 1-based): chr13:20,188,973, G>C on the plus strand (C>G on the coding strand, the complement: GJB2 is on the minus strand). VCF-style: chr13-20188973-G-C. GRCh37 (hg19) VCF-style: chr13-20763112-G-C.
Other names: short protein forms I203M.
Identifiers: ClinVar variation 4526282 (VCV004526282.1).